The following is an entry in ClinVar:

ClinVar aggregate classification (germline): Uncertain significance. Review status: criteria provided, multiple submitters, no conflicts (2 of 4 stars). 2 submissions from 2 submitters: Uncertain significance (2). Last evaluated 2026-01-07.

Conditions:
OPTN-related disorder. Also called: OPTN-related condition; OPTN-related disorders.

gnomAD v4.1: 15 of 1,614,084 alleles (0.00093%); highest among the groups gnomAD compares: African/African-American, 0.004%; no homozygotes.

Submissions (2):

PreventionGenetics, part of Exact Sciences
Classification: Uncertain significance for OPTN-related condition. Last evaluated: 2026-01-07. Review status: criteria provided, single submitter. Criteria: ACMG Guidelines, 2015. Collection method: clinical testing. Allele origin: germline.
Comment: The OPTN c.1700C>T variant is predicted to result in the amino acid substitution p.Thr567Met. This variant was reported in an individual with amyotrophic lateral sclerosis (Table S2, Liu et al. 2021. PubMed ID: 34275688). An alternate missense change at the same amino acid position (p.Thr567Ala) has been reported in an individual affected with amyotrophic lateral sclerosis (Yang et al. 2021. PubMed ID: 32893042). This variant is reported in 0.00088% of alleles in individuals of European (non-Finnish) descent in gnomAD. At this time, the clinical significance of this variant is uncertain due to the absence of conclusive functional and genetic evidence.

GeneDx
Classification: Uncertain significance. Last evaluated: 2024-07-23. Review status: criteria provided, single submitter. Criteria: GeneDx Variant Classification Process June 2021. Collection method: clinical testing. Allele origin: germline. Affected: yes.
Comment: Reported previously in a patient with ALS; however, no further clinical or segregation information was provided (PMID: 34275688); Not observed at significant frequency in large population cohorts (gnomAD); In silico analysis supports that this missense variant has a deleterious effect on protein structure/function; This variant is associated with the following publications: (PMID: 34275688)

NM_001008212.2(OPTN):c.1700C>T (p.Thr567Met)

Gene: OPTN (optineurin; plus strand). Cytogenetic location: 10p13.
Variant type: single nucleotide variant.
Coding change: c.1700C>T on transcript NM_001008212.2 (MANE Select); coding-DNA position 1700, C replaced by T.
Protein change: p.Thr567Met; replaces threonine 567 with methionine.
Molecular consequence: missense variant.
Genome position (GRCh38, 1-based): chr10:13,136,832, C>T. VCF-style: chr10-13136832-C-T. GRCh37 (hg19) VCF-style: chr10-13178832-C-T.
Other names: c.1700C>T, p.Thr567Met (NM_001008211.1, NM_001008213.1, NM_021980.4); short protein forms T567M.
Identifiers: ClinVar variation 3600722 (VCV003600722.2).